The following is an entry in ClinVar:

NM_001378457.1(DMXL2):c.3517T>G (p.Trp1173Gly)

Gene: DMXL2 (Dmx like 2; minus strand). Cytogenetic location: 15q21.2.
Variant type: single nucleotide variant.
Coding change: c.3517T>G on transcript NM_001378457.1 (MANE Select); coding-DNA position 3517, T replaced by G.
Protein change: p.Trp1173Gly; replaces tryptophan 1173 with glycine.
Molecular consequence: missense variant. On other transcripts: non-coding transcript variant (2), intron variant (2).
Genome position (GRCh38, 1-based): chr15:51,499,707, A>C on the plus strand (T>G on the coding strand, the complement: DMXL2 is on the minus strand). VCF-style: chr15-51499707-A-C. GRCh37 (hg19) VCF-style: chr15-51791904-A-C.
Other names: c.3517T>G, p.Trp1173Gly (NM_001174116.3, NM_001378458.1, NM_001378459.1 and 4 more transcripts); c.3277T>G, p.Trp1093Gly (NM_001378464.1); c.2764+7427T>G (NM_001378460.1); c.2765-4573T>G (NM_001174117.3); short protein forms W1173G, W1093G.
Identifiers: ClinVar variation 2053447 (VCV002053447.4), dbSNP rs2548508528, ClinGen allele CA392435584.

ClinVar aggregate classification (germline): Uncertain significance (1 of 4 stars; one submission).

Submission:

Labcorp Genetics (formerly Invitae), Labcorp
Classification: Uncertain significance. Last evaluated: 2023-07-10. Review status: criteria provided, single submitter. Criteria: Invitae Variant Classification Sherloc (09022015). Collection method: clinical testing. Allele origin: germline.
Comment: ClinVar contains an entry for this variant (Variation ID: 2053447). In summary, the available evidence is currently insufficient to determine the role of this variant in disease. Therefore, it has been classified as a Variant of Uncertain Significance. An algorithm developed to predict the effect of missense changes on protein structure and function (PolyPhen-2) suggests that this variant is likely to be disruptive. This variant has not been reported in the literature in individuals affected with DMXL2-related conditions. This variant is not present in population databases (gnomAD no frequency). This sequence change replaces tryptophan, which is neutral and slightly polar, with glycine, which is neutral and non-polar, at codon 1173 of the DMXL2 protein (p.Trp1173Gly).